The following is an entry in ClinVar:

ClinVar aggregate classification (germline): Uncertain significance (1 of 4 stars; one submission).

Conditions:
Periodic fever-infantile enterocolitis-autoinflammatory syndrome. Also called: Autoinflammation with infantile enterocolitis. Identifiers: Orphanet 436166, MedGen C4015067, MONDO:0014472, OMIM 616050.
Familial cold autoinflammatory syndrome 4 (FCAS4). Identifiers: Orphanet 47045, Orphanet 576349, MedGen C4015276, MONDO:0014498, OMIM 616115.

Allele frequency attached by ClinVar (database versions not stated): gnomAD exomes below 0.00001; TOPMed below 0.00001.
gnomAD v4.1: 1 of 1,614,248 alleles (0.000062%); highest among the groups gnomAD compares: African/African-American, 0.0013%; no homozygotes.

Submission:

Labcorp Genetics (formerly Invitae), Labcorp
Classification: Uncertain significance for Periodic fever-infantile enterocolitis-autoinflammatory syndrome; Familial cold autoinflammatory syndrome 4. Last evaluated: 2024-08-05. Review status: criteria provided, single submitter. Criteria: Invitae Variant Classification Sherloc (09022015). Collection method: clinical testing. Allele origin: germline.
Comment: This sequence change replaces valine, which is neutral and non-polar, with glycine, which is neutral and non-polar, at codon 700 of the NLRC4 protein (p.Val700Gly). This variant is not present in population databases (gnomAD no frequency). This variant has not been reported in the literature in individuals affected with NLRC4-related conditions. ClinVar contains an entry for this variant (Variation ID: 1928578). Advanced modeling of protein sequence and biophysical properties (such as structural, functional, and spatial information, amino acid conservation, physicochemical variation, residue mobility, and thermodynamic stability) performed at Invitae indicates that this missense variant is not expected to disrupt NLRC4 protein function with a negative predictive value of 80%. In summary, the available evidence is currently insufficient to determine the role of this variant in disease. Therefore, it has been classified as a Variant of Uncertain Significance.

NM_001199138.2(NLRC4):c.2099T>G (p.Val700Gly)

Gene: NLRC4 (NLR family CARD domain containing 4; minus strand). Cytogenetic location: 2p22.3.
Variant type: single nucleotide variant.
Coding change: c.2099T>G on transcript NM_001199138.2 (MANE Select); coding-DNA position 2099, T replaced by G.
Protein change: p.Val700Gly; replaces valine 700 with glycine.
Molecular consequence: missense variant. On other transcripts: intron variant (1).
Genome position (GRCh38, 1-based): chr2:32,249,765, A>C on the plus strand (T>G on the coding strand, the complement: NLRC4 is on the minus strand). VCF-style: chr2-32249765-A-C. GRCh37 (hg19) VCF-style: chr2-32474834-A-C.
Other names: c.2099T>G, p.Val700Gly (NM_021209.5, NM_001199139.2); c.262+2654T>G (NM_001302504.1); short protein forms V700G.
Identifiers: ClinVar variation 1928578 (VCV001928578.5), dbSNP rs1687022501, ClinGen allele CA346511001.